The following is an entry in ClinVar:

NM_005883.3(APC2):c.1511A>G (p.Glu504Gly)

Gene: APC2 (APC regulator of Wnt signaling pathway 2; plus strand). Cytogenetic location: 19p13.3.
Variant type: single nucleotide variant.
Coding change: c.1511A>G on transcript NM_005883.3 (MANE Select); coding-DNA position 1511, A replaced by G.
Protein change: p.Glu504Gly; replaces glutamic acid 504 with glycine.
Molecular consequence: missense variant.
Genome position (GRCh38, 1-based): chr19:1,460,847, A>G. VCF-style: chr19-1460847-A-G. GRCh37 (hg19) VCF-style: chr19-1460846-A-G.
Other names: c.1508A>G, p.Glu503Gly (NM_001351273.1); short protein forms E503G, E504G.
Identifiers: ClinVar variation 2100130 (VCV002100130.4), dbSNP rs1406918768, ClinGen allele CA403019627.
Genomic context (GRCh38, chr19:1,460,847, plus strand): 5'-TGTGTGCGCGCCGCGGCTGCATGGAGGCCATCGTGGCCCAGCTGGCCTCCGACAGTGAGG[A>G]GCTCCACCAGGTACAGGGCGGGGTGCTGGGAAAGCCTTCCAGGGTGTCCCTGATAGGCAG-3'
Protein context (NP_005874.1, residues 494-514): IVAQLASDSE[Glu504Gly]LHQVVSSILR

ClinVar aggregate classification (germline): Uncertain significance (1 of 4 stars; one submission).

gnomAD v4.1: 7 of 1,613,014 alleles (0.00043%); highest among the groups gnomAD compares: Non-Finnish European, 0.00051%; no homozygotes.

Submission:

Labcorp Genetics (formerly Invitae), Labcorp
Classification: Uncertain significance. Last evaluated: 2025-06-24. Review status: criteria provided, single submitter. Criteria: Invitae Variant Classification Sherloc (09022015). Collection method: clinical testing. Allele origin: germline.
Comment: This sequence change replaces glutamic acid, which is acidic and polar, with glycine, which is neutral and non-polar, at codon 504 of the APC2 protein (p.Glu504Gly). This variant is present in population databases (no rsID available, gnomAD 0.004%). This variant has not been reported in the literature in individuals affected with APC2-related conditions. ClinVar contains an entry for this variant (Variation ID: 2100130). Invitae Evidence Modeling of protein sequence and biophysical properties (such as structural, functional, and spatial information, amino acid conservation, physicochemical variation, residue mobility, and thermodynamic stability) indicates that this missense variant is expected to disrupt APC2 protein function with a positive predictive value of 80%. In summary, the available evidence is currently insufficient to determine the role of this variant in disease. Therefore, it has been classified as a Variant of Uncertain Significance.